The following is an entry in ClinVar:

NM_000157.4(GBA1):c.1361C>T (p.Pro454Leu)

Genes: GBA1 (glucosylceramidase beta 1; minus strand), LOC106627981 (GBA recombination region; plus strand). Cytogenetic location: 1q22.
Variant type: single nucleotide variant.
Coding change: c.1361C>T on transcript NM_000157.4 (MANE Select); coding-DNA position 1361, C replaced by T.
Protein change: p.Pro454Leu; replaces proline 454 with leucine.
Molecular consequence: missense variant.
Genome position (GRCh38, 1-based): chr1:155,235,708, G>A on the plus strand (C>T on the coding strand, the complement: GBA1 is on the minus strand). VCF-style: chr1-155235708-G-A. GRCh37 (hg19) VCF-style: chr1-155205499-G-A.
Other names: c.1361C>T, p.Pro454Leu (NM_001005741.3, NM_001005742.3); c.1100C>T, p.Pro367Leu (NM_001171811.2); c.1214C>T, p.Pro405Leu (NM_001171812.2); short protein forms P367L, P405L, P454L.
Identifiers: ClinVar variation 1722541 (VCV001722541.2), dbSNP rs121908295, ClinGen allele CA342712599.

ClinVar aggregate classification (germline): Pathogenic (0 of 4 stars; one submission).

Conditions:
Lewy body dementia (DLB). Also called: Lewy Body Disease. Identifiers: MedGen C0752347, MONDO:0007488, OMIM 127750.

Allele frequency attached by ClinVar (database versions not stated): gnomAD exomes below 0.00001.
gnomAD v4.1: 2 of 1,611,508 alleles (0.00012%); no homozygotes.

Submission:

Research Unit of Clinical Medicine, Medical Research Center Oulu, University of Oulu
Classification: Pathogenic for Lewy body dementia. Last evaluated: 2022-10-28. Review status: no assertion criteria provided. Collection method: case-control. Allele origin: paternal. Inheritance: Autosomal dominant inheritance. Affected: yes. Observed: 2 heterozygotes. Clinical features observed: Dementia (HP:0000726), Parkinsonian disorder (HP:0001300).
Comment: The variant replaces highly conserved proline at amino acid position 454 with leucine. Pathogenic variant p.Pro454Arg has been reported in the position causing Gaucher disease with another pathogenic variant in trans. The variant p.Pro454Leu has not been described in literature or in the databases. Pathogenicity prediction algorithm PredictSNP supported deleterious nature of the variant. The variant was found in two siblings with a severe disease with Lewy bodies and a family history of dominant inheritance.